The following is an entry in ClinVar:

NM_014804.3(KIAA0753):c.878A>T (p.His293Leu)

Gene: KIAA0753 (KIAA0753; minus strand). Cytogenetic location: 17p13.1.
Variant type: single nucleotide variant.
Coding change: c.878A>T on transcript NM_014804.3 (MANE Select); coding-DNA position 878, A replaced by T.
Protein change: p.His293Leu; replaces histidine 293 with leucine.
Molecular consequence: missense variant. On other transcripts: non-coding transcript variant (1), intron variant (1).
Genome position (GRCh38, 1-based): chr17:6,623,519, T>A on the plus strand (A>T on the coding strand, the complement: KIAA0753 is on the minus strand). VCF-style: chr17-6623519-T-A. GRCh37 (hg19) VCF-style: chr17-6526839-T-A.
Other names: c.-10+88A>T (NM_001351225.2); short protein forms H293L.
Identifiers: ClinVar variation 2110428 (VCV002110428.4), dbSNP rs2544495481, ClinGen allele CA397413156.

ClinVar aggregate classification (germline): Uncertain significance (1 of 4 stars; one submission).

Allele frequency attached by ClinVar (database versions not stated): gnomAD exomes below 0.00001.
gnomAD v4.1: 1 of 1,604,392 alleles (0.000062%); highest among the groups gnomAD compares: Non-Finnish European, 0.000085%; no homozygotes.

Submission:

Labcorp Genetics (formerly Invitae), Labcorp
Classification: Uncertain significance. Last evaluated: 2022-03-12. Review status: criteria provided, single submitter. Criteria: Invitae Variant Classification Sherloc (09022015). Collection method: clinical testing. Allele origin: germline.
Comment: This variant has not been reported in the literature in individuals affected with KIAA0753-related conditions. In summary, the available evidence is currently insufficient to determine the role of this variant in disease. Therefore, it has been classified as a Variant of Uncertain Significance. Algorithms developed to predict the effect of missense changes on protein structure and function (SIFT, PolyPhen-2, Align-GVGD) all suggest that this variant is likely to be disruptive. This variant is not present in population databases (gnomAD no frequency). This sequence change replaces histidine, which is basic and polar, with leucine, which is neutral and non-polar, at codon 293 of the KIAA0753 protein (p.His293Leu).